The following is an entry in ClinVar:

ClinVar aggregate classification (germline): Uncertain significance (1 of 4 stars; one submission).

Conditions:
Perlman syndrome (PRLMNS). Identifiers: Orphanet 2849, MedGen C0796113, MONDO:0009965, OMIM 267000.

Allele frequency attached by ClinVar (database versions not stated): gnomAD exomes below 0.00001; ExAC 0.00001; gnomAD 0.00001; TOPMed 0.00001; 1000 Genomes Project 30x 0.00016; 1000 Genomes Project 0.00020.
gnomAD v4.1: 1 of 1,614,040 alleles (0.000062%); highest among the groups gnomAD compares: African/African-American, 0.0013%; no homozygotes.

Submission:

Labcorp Genetics (formerly Invitae), Labcorp
Classification: Uncertain significance for Perlman syndrome. Last evaluated: 2020-02-20. Review status: criteria provided, single submitter. Criteria: Invitae Variant Classification Sherloc (09022015). Collection method: clinical testing. Allele origin: germline.
Comment: This sequence change replaces leucine with methionine at codon 13 of the DIS3L2 protein (p.Leu13Met). The leucine residue is weakly conserved and there is a small physicochemical difference between leucine and methionine. This variant is present in population databases (rs554832054, ExAC 0.01%). This variant has not been reported in the literature in individuals with DIS3L2-related conditions. Algorithms developed to predict the effect of missense changes on protein structure and function are either unavailable or do not agree on the potential impact of this missense change (SIFT: "Tolerated"; PolyPhen-2: "Probably Damaging"; Align-GVGD: "Class C0"). In summary, the available evidence is currently insufficient to determine the role of this variant in disease. Therefore, it has been classified as a Variant of Uncertain Significance.

NM_152383.5(DIS3L2):c.37C>A (p.Leu13Met)

Gene: DIS3L2 (DIS3 like 3'-5' exoribonuclease 2; plus strand). Cytogenetic location: 2q37.1.
Variant type: single nucleotide variant.
Coding change: c.37C>A on transcript NM_152383.5 (MANE Select); coding-DNA position 37, C replaced by A.
Protein change: p.Leu13Met; replaces leucine 13 with methionine.
Molecular consequence: missense variant. On other transcripts: non-coding transcript variant (2).
Genome position (GRCh38, 1-based): chr2:232,014,964, C>A. VCF-style: chr2-232014964-C-A. GRCh37 (hg19) VCF-style: chr2-232879674-C-A.
Other names: c.37C>A, p.Leu13Met (NM_001257281.2, NM_001257282.2); short protein forms L13M.
Identifiers: ClinVar variation 1056994 (VCV001056994.9), dbSNP rs554832054, ClinGen allele CA2163694.